The following is an entry in ClinVar:

NM_016169.4(SUFU):c.1106T>A (p.Val369Glu)

Gene: SUFU (SUFU negative regulator of hedgehog signaling; plus strand). Cytogenetic location: 10q24.32.
Variant type: single nucleotide variant.
Coding change: c.1106T>A on transcript NM_016169.4 (MANE Select); coding-DNA position 1106, T replaced by A.
Protein change: p.Val369Glu; replaces valine 369 with glutamic acid.
Molecular consequence: missense variant.
Genome position (GRCh38, 1-based): chr10:102,615,351, T>A. VCF-style: chr10-102615351-T-A. GRCh37 (hg19) VCF-style: chr10-104375108-T-A.
Other names: c.1106T>A, p.Val369Glu (NM_001178133.2); short protein forms V369E.
Identifiers: ClinVar variation 4530298 (VCV004530298.1).

ClinVar aggregate classification (somatic clinical impact): Tier II - Potential (1 of 4 stars; one submission).

Conditions:
Undifferentiated (embryonal) sarcoma. Also called: Embryonal sarcoma; Undifferentiated sarcoma. Identifiers: MedGen C0855073, MONDO:0005102.

Submission:

Institute for Genomic Medicine (IGM) Clinical Laboratory, Nationwide Children's Hospital
Classification: Tier II - Potential for undifferentiated sarcoma. Assertion type: diagnostic. Clinical significance: supports diagnosis. Last evaluated: 2024-10-30. Review status: criteria provided, single submitter. Criteria: AMP/ASCO/CAP Guidelines, 2017. Collection method: clinical testing. Allele origin: somatic. Affected: yes.
Comment: Variant has Tier II (potential) clinical significance as a diagnostic inclusion criterion in undifferentiated sarcoma, based on the following evidence: 1) Assists in diagnosis alone or along with other biomarkers based on small studies or few case reports (Evidence Level D; PMIDs: 28726821, 29461635, 16294371).

Literature cited by the submitters: PubMed 28726821; PubMed 29461635; PubMed 16294371.